The following is an entry in ClinVar:

ClinVar aggregate classification (germline): Uncertain significance (1 of 4 stars; one submission).

Conditions:
Hereditary breast ovarian cancer syndrome. Also called: Hereditary breast and ovarian cancer syndrome (HBOC); Hereditary breast and ovarian cancer syndrome; Breast and ovarian cancer; Hereditary breast and/or ovarian cancer syndrome; Hereditary breast and ovarian cancer; BRCA1- and BRCA2-Associated Hereditary Breast and Ovarian Cancer. Identifiers: Orphanet 145, MedGen C0677776, MeSH D061325, MONDO:0003582. Disease mechanism: loss of function.

Submission:

Labcorp Genetics (formerly Invitae), Labcorp
Classification: Uncertain significance for Hereditary breast ovarian cancer syndrome. Last evaluated: 2017-06-05. Review status: criteria provided, single submitter. Criteria: Invitae Variant Classification Sherloc (09022015). Collection method: clinical testing. Allele origin: germline.
Comment: This variant is not present in population databases (ExAC no frequency). This sequence change replaces isoleucine with serine at codon 1391 of the BRCA1 protein (p.Ile1391Ser). The isoleucine residue is highly conserved and there is a large physicochemical difference between isoleucine and serine. This variant has not been reported in the literature in individuals with a BRCA1-related disease. In summary, this variant has uncertain impact on BRCA1 function. The available evidence is currently insufficient to determine its role in disease. Therefore, it has been classified as a Variant of Uncertain Significance. Algorithms developed to predict the effect of missense changes on protein structure and function do not agree on the potential impact of this missense change (SIFT: "Deleterious"; PolyPhen-2: "Benign"; Align-GVGD: "Class C35").

NM_007294.4(BRCA1):c.4172T>G (p.Ile1391Ser)

Gene: BRCA1 (BRCA1 DNA repair associated; minus strand). Cytogenetic location: 17q21.31.
Variant type: single nucleotide variant.
Coding change: c.4172T>G on transcript NM_007294.4 (MANE Select); coding-DNA position 4172, T replaced by G.
Protein change: p.Ile1391Ser; replaces isoleucine 1391 with serine.
Molecular consequence: missense variant. On other transcripts: non-coding transcript variant (1).
Genome position (GRCh38, 1-based): chr17:43,090,957, A>C on the plus strand (T>G on the coding strand, the complement: BRCA1 is on the minus strand). VCF-style: chr17-43090957-A-C. GRCh37 (hg19) VCF-style: chr17-41242974-A-C.
Other names: c.4049T>G, p.Ile1350Ser (NM_001407665.1, NM_001407668.1, NM_001407669.1 and 19 more transcripts); c.3836T>G, p.Ile1279Ser (NM_001407956.1, NM_001407958.1, NM_001407954.1 and 1 more transcripts); c.3791T>G, p.Ile1264Ser (NM_001407960.1, NM_001407963.1, NM_001407959.1); c.3788T>G, p.Ile1263Ser (NM_001407962.1); c.3284T>G, p.Ile1095Ser (NM_001407966.1, NM_001407967.1); c.4046T>G, p.Ile1349Ser (NM_001407670.1, NM_001407671.1, NM_001407672.1 and 11 more transcripts); c.3839T>G, p.Ile1280Ser (NM_001407957.1, NM_001407946.1, NM_001407947.1 and 6 more transcripts); c.4028T>G, p.Ile1343Ser (NM_001407964.1, NM_001407740.1, NM_001407741.1 and 20 more transcripts); and 41 more; short protein forms I1391S, I1344S, I288S, I1095S, I1279S, I1388S, I179S, I217S.
Identifiers: ClinVar variation 462636 (VCV000462636.10), dbSNP rs397509146, ClinGen allele CA10593376.